The following is an entry in ClinVar:

ClinVar aggregate classification (germline): Likely benign. Review status: criteria provided, multiple submitters, no conflicts (2 of 4 stars). 6 submissions from 6 submitters: Likely benign (6). Last evaluated 2025-11-10.

Conditions:
Hereditary cancer-predisposing syndrome. Also called: Tumor predisposition; Hereditary neoplastic syndrome; Hereditary Cancer Syndrome; Neoplastic Syndromes, Hereditary. Identifiers: Orphanet 140162, MedGen C0027672, MeSH D009386, MONDO:0015356.
Hereditary breast ovarian cancer syndrome. Also called: Hereditary breast and ovarian cancer syndrome; BRCA1- and BRCA2-Associated Hereditary Breast and Ovarian Cancer; Hereditary breast and/or ovarian cancer syndrome; Hereditary breast and ovarian cancer syndrome (HBOC); Breast and ovarian cancer; Hereditary breast and ovarian cancer. Identifiers: Orphanet 145, MedGen C0677776, MeSH D061325, MONDO:0003582. Disease mechanism: loss of function.

gnomAD v4.1: 2 of 1,613,804 alleles (0.00012%); highest among the groups gnomAD compares: Middle Eastern, 0.016%; no homozygotes.

Submissions (6):

Labcorp Genetics (formerly Invitae), Labcorp
Classification: Likely benign for Hereditary breast ovarian cancer syndrome. Last evaluated: 2025-11-10. Review status: criteria provided, single submitter. Criteria: Invitae Variant Classification Sherloc (09022015). Collection method: clinical testing. Allele origin: germline.

Blueprint Genetics
Classification: Likely benign. Last evaluated: 2024-09-03. Review status: criteria provided, single submitter. Criteria: ACMG Guidelines, 2015. Collection method: clinical testing. Allele origin: germline.

Women's Health and Genetics/Laboratory Corporation of America, LabCorp
Classification: Likely benign. Last evaluated: 2024-05-19. Review status: criteria provided, single submitter. Criteria: LabCorp Variant Classification Summary - May 2015. Collection method: clinical testing. Allele origin: germline.

CeGaT Center for Human Genetics Tuebingen
Classification: Likely benign. Last evaluated: 2022-04-01. Review status: criteria provided, single submitter. Criteria: CeGaT Center For Human Genetics Tuebingen Variant Classification Criteria Version 2. Collection method: clinical testing. Allele origin: germline. Affected: yes. Observed: 1 variant allele.
Comment: BRCA2: BP4, BP7

Color Diagnostics, LLC DBA Color Health
Classification: Likely benign for Hereditary cancer-predisposing syndrome. Last evaluated: 2018-10-09. Review status: criteria provided, single submitter. Criteria: ACMG Guidelines, 2015. Collection method: clinical testing. Allele origin: germline.

Ambry Genetics
Classification: Likely benign for Hereditary cancer-predisposing syndrome. Last evaluated: 2017-07-26. Review status: criteria provided, single submitter. Criteria: Ambry Variant Classification Scheme 2023. Collection method: clinical testing. Allele origin: germline.

NM_000059.4(BRCA2):c.10203G>C (p.Thr3401=)

Gene: BRCA2 (BRCA2 DNA repair associated; plus strand). Cytogenetic location: 13q13.1.
Variant type: single nucleotide variant.
Coding change: c.10203G>C on transcript NM_000059.4 (MANE Select); coding-DNA position 10203, G replaced by C.
Protein change: p.Thr3401=; no amino-acid change (threonine 3401 retained).
Molecular consequence: synonymous variant.
Genome position (GRCh38, 1-based): chr13:32,398,716, G>C. VCF-style: chr13-32398716-G-C. GRCh37 (hg19) VCF-style: chr13-32972853-G-C.
Identifiers: ClinVar variation 415654 (VCV000415654.50), dbSNP rs147854265, ClinGen allele CA16614279.